The following is an entry in ClinVar:

ClinVar aggregate classification (germline): Pathogenic. Review status: criteria provided, multiple submitters, no conflicts (2 of 4 stars). 3 submissions from 3 submitters: Pathogenic (2). 1 of the submissions does not count toward it. Last evaluated 2024-08-11.

Conditions:
ACP5-related disorder. Also called: ACP5-related condition.
Spondyloenchondrodysplasia with immune dysregulation (SPENCDI). Also called: COMBINED IMMUNODEFICIENCY WITH AUTOIMMUNITY AND SPONDYLOMETAPHYSEAL DYSPLASIA; ROIFMAN IMMUNOSKELETAL SYNDROME; SPONDYLOENCHONDRODYSPLASIA WITH OR WITHOUT IMMUNE DYSREGULATION. Identifiers: Orphanet 1855, MedGen C1842763, MONDO:0011939, OMIM 607944.

Allele frequency attached by ClinVar (database versions not stated): gnomAD exomes below 0.00001 and 0.00002; gnomAD 0.00001; TOPMed 0.00001.

Submissions (3):

Labcorp Genetics (formerly Invitae), Labcorp
Classification: Pathogenic for Spondyloenchondrodysplasia with immune dysregulation. Last evaluated: 2024-08-11. Review status: criteria provided, single submitter. Criteria: Invitae Variant Classification Sherloc (09022015). Collection method: clinical testing. Allele origin: germline.
Comment: This sequence change creates a premature translational stop signal (p.Ser267Glnfs*36) in the ACP5 gene. While this is not anticipated to result in nonsense mediated decay, it is expected to disrupt the last 59 amino acid(s) of the ACP5 protein. This variant is present in population databases (no rsID available, gnomAD 0.0009%). This variant has not been reported in the literature in individuals affected with ACP5-related conditions. ClinVar contains an entry for this variant (Variation ID: 1455117). This variant disrupts a region of the ACP5 protein in which other variant(s) (p.Ser267*) have been determined to be pathogenic (PMID: 21217752). This suggests that this is a clinically significant region of the protein, and that variants that disrupt it are likely to be disease-causing. For these reasons, this variant has been classified as Pathogenic.

Equipe Genetique des Anomalies du Developpement, Université de Bourgogne
Classification: Pathogenic for Spondyloenchondrodysplasia with immune dysregulation. Last evaluated: 2024-01-12. Review status: criteria provided, single submitter. Criteria: ACMG Guidelines, 2015. Collection method: clinical testing. Allele origin: biparental. Affected: yes.

PreventionGenetics, part of Exact Sciences
Classification: Likely pathogenic for ACP5-related condition. Last evaluated: 2024-03-04. Review status: no assertion criteria provided. Collection method: clinical testing. Allele origin: germline. Not counted in ClinVar's aggregate classification.
Comment: The ACP5 c.799delT variant is predicted to result in a frameshift and premature protein termination (p.Ser267Glnfs*36). To our knowledge, this variant has not been reported in the literature or in a large population database. This variant is reported in 0.00088% of alleles in individuals of European (Non-Finnish) descent in gnomAD. Frameshift variants in ACP5 are expected to be pathogenic. This variant is interpreted as likely pathogenic.

Literature cited by the submitters: PubMed 21217752 (cited by Labcorp Genetics (formerly Invitae), Labcorp).

NM_001611.5(ACP5):c.799del (p.Ser267fs)

Gene: ACP5 (acid phosphatase 5, tartrate resistant; minus strand). Cytogenetic location: 19p13.2.
Variant type: Deletion.
Coding change: c.799del on transcript NM_001611.5 (MANE Select); coding-DNA position 799, one base deleted (T; older notation c.799delT).
Protein change: p.Ser267fs; shifts the reading frame from serine 267.
Molecular consequence: frameshift variant.
Genome position (GRCh38, 1-based): chr19:11,575,189, A deleted on the plus strand (T on the coding strand, the reverse complement: ACP5 is on the minus strand). VCF-style (leftmost placement, unchanged base first): chr19-11575188-GA-G. GRCh37 (hg19) VCF-style: chr19-11686003-GA-G.
Other names: c.799del, p.Ser267fs (NM_001111034.3, NM_001111035.3, NM_001111036.3 and 1 more transcripts); c.799delT (NM_001111035.2); short protein forms S267fs.
Identifiers: ClinVar variation 1455117 (VCV001455117.9), dbSNP rs1294990891, ClinGen allele CA632118037.